The following is an entry in ClinVar:

ClinVar aggregate classification (germline): Uncertain significance. Review status: criteria provided, multiple submitters, no conflicts (2 of 4 stars). 3 submissions from 3 submitters: Uncertain significance (3). Last evaluated 2022-11-12.

Conditions:
Inborn genetic diseases. Identifiers: MedGen C0950123, MeSH D030342.
Neuropathy, hereditary sensory, type 2C. Also called: KIF1A-Related HSAN2 (HSAN2C); Hereditary sensory and autonomic neuropathy type IIC. Identifiers: Orphanet 970, MedGen C3280168, MONDO:0013634, OMIM 614213.
Intellectual disability, autosomal dominant 9 (NESCAVS). Also called: NESCAV SYNDROME; KIF1A-Related Neurodevelopmental Disorder. Identifiers: Orphanet 662367, MedGen C5393830, MONDO:0013656, OMIM 614255.
Hereditary spastic paraplegia 30. Identifiers: Orphanet 101010, MedGen C5235139, MONDO:0012476.

Allele frequency attached by ClinVar (database versions not stated): gnomAD 0.00001; TOPMed 0.00001.

Submissions (3):

Labcorp Genetics (formerly Invitae), Labcorp
Classification: Uncertain significance for Hereditary spastic paraplegia 30; Neuropathy, hereditary sensory, type 2C; Intellectual disability, autosomal dominant 9. Last evaluated: 2022-11-12. Review status: criteria provided, single submitter. Criteria: Invitae Variant Classification Sherloc (09022015). Collection method: clinical testing. Allele origin: germline.
Comment: This sequence change replaces histidine, which is basic and polar, with tyrosine, which is neutral and polar, at codon 917 of the KIF1A protein (p.His917Tyr). This variant is present in population databases (no rsID available, gnomAD 0.007%). This variant has not been reported in the literature in individuals affected with KIF1A-related conditions. This variant is also known as c.3052C>T (p.His1018Tyr). ClinVar contains an entry for this variant (Variation ID: 598972). Algorithms developed to predict the effect of missense changes on protein structure and function (SIFT, PolyPhen-2, Align-GVGD) all suggest that this variant is likely to be tolerated. In summary, the available evidence is currently insufficient to determine the role of this variant in disease. Therefore, it has been classified as a Variant of Uncertain Significance.

Ambry Genetics
Classification: Uncertain significance for Inborn genetic diseases. Last evaluated: 2021-01-06. Review status: criteria provided, single submitter. Criteria: Ambry Variant Classification Scheme 2023. Collection method: clinical testing. Allele origin: germline.
Comment: The c.2749C>T (p.H917Y) alteration is located in exon 27 (coding exon 26) of the KIF1A gene. This alteration results from a C to T substitution at nucleotide position 2749, causing the histidine (H) at amino acid position 917 to be replaced by a tyrosine (Y). The p.H917Y alteration is predicted to be tolerated by in silico analysis. Based on insufficient or conflicting evidence, the clinical significance of this alteration remains unclear.

Center for Personalized Medicine, Children's Hospital Los Angeles
Classification: Uncertain significance. Last evaluated: 2018-11-19. Review status: criteria provided, single submitter. Criteria: ACMG Guidelines, 2015. Collection method: clinical testing. Allele origin: germline. Affected: yes.

NM_001244008.2(KIF1A):c.3052C>T (p.His1018Tyr)

Gene: KIF1A (kinesin family member 1A; minus strand). Cytogenetic location: 2q37.3.
Variant type: single nucleotide variant.
Coding change: c.3052C>T on transcript NM_001244008.2 (MANE Select); coding-DNA position 3052, C replaced by T.
Protein change: p.His1018Tyr; replaces histidine 1018 with tyrosine.
Molecular consequence: missense variant.
Genome position (GRCh38, 1-based): chr2:240,747,247, G>A on the plus strand (C>T on the coding strand, the complement: KIF1A is on the minus strand). VCF-style: chr2-240747247-G-A. GRCh37 (hg19) VCF-style: chr2-241686664-G-A.
Other names: c.2776C>T, p.His926Tyr (NM_001320705.2, NM_001330289.2, NM_001379638.1); c.2851C>T, p.His951Tyr (NM_001330290.2, NM_001379634.1, NM_001379635.1 and 1 more transcripts); c.3127C>T, p.His1043Tyr (NM_001379631.1); c.3001C>T, p.His1001Tyr (NM_001379632.1); c.3025C>T, p.His1009Tyr (NM_001379633.1, NM_001379642.1, NM_001379645.1); c.2749C>T, p.His917Tyr (NM_001379636.1, NM_001379639.1, NM_001379640.1 and 6 more transcripts); c.2824C>T, p.His942Tyr (NM_001379637.1, NM_001379648.1); c.2749C>T (NM_004321.5); short protein forms H917Y, H1018Y, H951Y, H926Y, H1001Y, H1009Y, H1043Y, H942Y.
Identifiers: ClinVar variation 598972 (VCV000598972.11), dbSNP rs1356639316, ClinGen allele CA351319171.